The following is an entry in ClinVar:

ClinVar aggregate classification (germline): Uncertain significance. Review status: criteria provided, multiple submitters, no conflicts (2 of 4 stars). 2 submissions from 2 submitters: Uncertain significance (2). Last evaluated 2023-08-28.

Conditions:
Colorectal cancer, hereditary nonpolyposis, type 7. Identifiers: Orphanet 144, MedGen C1858380, MONDO:0013725, OMIM 614385.

Submissions (2):

Ambry Genetics
Classification: Uncertain significance. Last evaluated: 2023-08-28. Review status: criteria provided, single submitter. Criteria: Ambry Variant Classification Scheme 2023. Collection method: clinical testing. Allele origin: germline.
Comment: The p.I340F variant (also known as c.1018A>T), located in coding exon 1 of the MLH3 gene, results from an A to T substitution at nucleotide position 1018. The isoleucine at codon 340 is replaced by phenylalanine, an amino acid with highly similar properties. This amino acid position is not well conserved in available vertebrate species. In addition, the in silico prediction for this alteration is inconclusive. The evidence for this gene-disease relationship is limited; therefore, the clinical significance of this alteration is unclear.

Labcorp Genetics (formerly Invitae), Labcorp
Classification: Uncertain significance for Colorectal cancer, hereditary nonpolyposis, type 7. Last evaluated: 2021-02-06. Review status: criteria provided, single submitter. Criteria: Invitae Variant Classification Sherloc (09022015). Collection method: clinical testing. Allele origin: germline.
Comment: In summary, the available evidence is currently insufficient to determine the role of this variant in disease. Therefore, it has been classified as a Variant of Uncertain Significance. Algorithms developed to predict the effect of missense changes on protein structure and function are either unavailable or do not agree on the potential impact of this missense change (SIFT: "Deleterious"; PolyPhen-2: "Benign"; Align-GVGD: "Class C0"). This variant has not been reported in the literature in individuals with MLH3-related conditions. This variant is not present in population databases (ExAC no frequency). This sequence change replaces isoleucine with phenylalanine at codon 340 of the MLH3 protein (p.Ile340Phe). The isoleucine residue is moderately conserved and there is a small physicochemical difference between isoleucine and phenylalanine.

NM_001040108.2(MLH3):c.1018A>T (p.Ile340Phe)

Gene: MLH3 (mutL homolog 3; minus strand). Cytogenetic location: 14q24.3.
Variant type: single nucleotide variant.
Coding change: c.1018A>T on transcript NM_001040108.2 (MANE Select); coding-DNA position 1018, A replaced by T.
Protein change: p.Ile340Phe; replaces isoleucine 340 with phenylalanine.
Molecular consequence: missense variant.
Genome position (GRCh38, 1-based): chr14:75,048,638, T>A on the plus strand (A>T on the coding strand, the complement: MLH3 is on the minus strand). VCF-style: chr14-75048638-T-A. GRCh37 (hg19) VCF-style: chr14-75515341-T-A.
Other names: c.1018A>T (NM_001040108.1); c.1018A>T, p.Ile340Phe (NM_014381.3); short protein forms I340F.
Identifiers: ClinVar variation 1388580 (VCV001388580.9), dbSNP rs769417120, ClinGen allele CA390448052.